The following is an entry in ClinVar:

NM_175875.5(SIX5):c.2150G>A (p.Gly717Glu)

Gene: SIX5 (SIX homeobox 5; minus strand). Cytogenetic location: 19q13.32.
Variant type: single nucleotide variant.
Coding change: c.2150G>A on transcript NM_175875.5 (MANE Select); coding-DNA position 2150, G replaced by A.
Protein change: p.Gly717Glu; replaces glycine 717 with glutamic acid.
Molecular consequence: missense variant.
Genome position (GRCh38, 1-based): chr19:45,765,571, C>T on the plus strand (G>A on the coding strand, the complement: SIX5 is on the minus strand). VCF-style: chr19-45765571-C-T. GRCh37 (hg19) VCF-style: chr19-46268829-C-T.
Other names: c.2150G>A (NM_175875.4); short protein forms G717E.
Identifiers: ClinVar variation 1918510 (VCV001918510.6), dbSNP rs1969051324, ClinGen allele CA406415500.

ClinVar aggregate classification (germline): Uncertain significance. Review status: criteria provided, multiple submitters, no conflicts (2 of 4 stars). 2 submissions from 2 submitters: Uncertain significance (2). Last evaluated 2024-05-30.

Allele frequency attached by ClinVar (database versions not stated): gnomAD 0.00001.
gnomAD v4.1: 4 of 1,613,292 alleles (0.00025%); highest among the groups gnomAD compares: East Asian, 0.0022%; no homozygotes.

Submissions (2):

Ambry Genetics
Classification: Uncertain significance. Last evaluated: 2024-05-30. Review status: criteria provided, single submitter. Criteria: Ambry Variant Classification Scheme 2023. Collection method: clinical testing. Allele origin: germline.

Labcorp Genetics (formerly Invitae), Labcorp
Classification: Uncertain significance. Last evaluated: 2022-03-29. Review status: criteria provided, single submitter. Criteria: Invitae Variant Classification Sherloc (09022015). Collection method: clinical testing. Allele origin: germline.
Comment: This variant has not been reported in the literature in individuals affected with SIX5-related conditions. This variant is not present in population databases (gnomAD no frequency). This sequence change replaces glycine, which is neutral and non-polar, with glutamic acid, which is acidic and polar, at codon 717 of the SIX5 protein (p.Gly717Glu). Algorithms developed to predict the effect of missense changes on protein structure and function output the following: SIFT: "Deleterious"; PolyPhen-2: "Probably Damaging"; Align-GVGD: "Class C0". The glutamic acid amino acid residue is found in multiple mammalian species, which suggests that this missense change does not adversely affect protein function. In summary, the available evidence is currently insufficient to determine the role of this variant in disease. Therefore, it has been classified as a Variant of Uncertain Significance.